The following is an entry in ClinVar:

ClinVar aggregate classification (germline): Uncertain significance (1 of 4 stars; one submission).

Submission:

Labcorp Genetics (formerly Invitae), Labcorp
Classification: Uncertain significance. Last evaluated: 2024-02-04. Review status: criteria provided, single submitter. Criteria: Invitae Variant Classification Sherloc (09022015). Collection method: clinical testing. Allele origin: germline.
Comment: This sequence change replaces proline, which is neutral and non-polar, with serine, which is neutral and polar, at codon 2602 of the VCAN protein (p.Pro2602Ser). This variant is not present in population databases (gnomAD no frequency). This variant has not been reported in the literature in individuals affected with VCAN-related conditions. Algorithms developed to predict the effect of missense changes on protein structure and function output the following: SIFT: "Not Available"; PolyPhen-2: "Benign"; Align-GVGD: "Not Available". The serine amino acid residue is found in multiple mammalian species, which suggests that this missense change does not adversely affect protein function. In summary, the available evidence is currently insufficient to determine the role of this variant in disease. Therefore, it has been classified as a Variant of Uncertain Significance.

NM_004385.5(VCAN):c.7804C>T (p.Pro2602Ser)

Genes: VCAN (versican; plus strand), VCAN-AS1 (VCAN antisense RNA 1; minus strand). Cytogenetic location: 5q14.3.
Variant type: single nucleotide variant.
Coding change: c.7804C>T on transcript NM_004385.5 (MANE Select); coding-DNA position 7804, C replaced by T.
Protein change: p.Pro2602Ser; replaces proline 2602 with serine.
Molecular consequence: missense variant. On other transcripts: intron variant (2).
Genome position (GRCh38, 1-based): chr5:83,540,807, C>T. VCF-style: chr5-83540807-C-T. GRCh37 (hg19) VCF-style: chr5-82836626-C-T.
Other names: c.4843C>T, p.Pro1615Ser (NM_001164097.2); c.4004-4730C>T (NM_001164098.2); c.1043-4730C>T (NM_001126336.3); short protein forms P2602S, P1615S.
Identifiers: ClinVar variation 3686086 (VCV003686086.2).